The following is an entry in ClinVar:

NM_000548.5(TSC2):c.4012T>A (p.Ser1338Thr)

Gene: TSC2 (TSC complex subunit 2; plus strand). Cytogenetic location: 16p13.3.
Variant type: single nucleotide variant.
Coding change: c.4012T>A on transcript NM_000548.5 (MANE Select); coding-DNA position 4012, T replaced by A.
Protein change: p.Ser1338Thr; replaces serine 1338 with threonine.
Molecular consequence: missense variant. On other transcripts: non-coding transcript variant (5).
Genome position (GRCh38, 1-based): chr16:2,084,234, T>A. VCF-style: chr16-2084234-T-A. GRCh37 (hg19) VCF-style: chr16-2134235-T-A.
Other names: c.3811T>A, p.Ser1271Thr (NM_001077183.3); c.3943T>A, p.Ser1315Thr (NM_001114382.3); c.3703T>A, p.Ser1235Thr (NM_001318827.2); c.3667T>A, p.Ser1223Thr (NM_001318829.2); c.3280T>A, p.Ser1094Thr (NM_001318831.2); c.3844T>A, p.Ser1282Thr (NM_001318832.2); c.3814T>A, p.Ser1272Thr (NM_001363528.2); c.3880T>A, p.Ser1294Thr (NM_001370404.1); and 26 more; short protein forms S1071T, S1072T, S1094T, S1114T, S1115T, S1118T, S1138T, S1222T.
Identifiers: ClinVar variation 4802881 (VCV004802881.1).

ClinVar aggregate classification (germline): Uncertain significance (1 of 4 stars; one submission).

Conditions:
Tuberous sclerosis 2 (TSC2). Identifiers: Orphanet 805, MedGen C1860707, MONDO:0013199, OMIM 613254.

Submission:

Labcorp Genetics (formerly Invitae), Labcorp
Classification: Uncertain significance for Tuberous sclerosis 2. Last evaluated: 2026-01-19. Review status: criteria provided, single submitter. Criteria: Invitae Variant Classification Sherloc (09022015). Collection method: clinical testing. Allele origin: germline.
Comment: This sequence change replaces serine, which is neutral and polar, with threonine, which is neutral and polar, at codon 1338 of the TSC2 protein (p.Ser1338Thr). This variant is not present in population databases (gnomAD no frequency). This variant has not been reported in the literature in individuals affected with TSC2-related conditions. Invitae Evidence Modeling of protein sequence and biophysical properties (such as structural, functional, and spatial information, amino acid conservation, physicochemical variation, residue mobility, and thermodynamic stability) indicates that this missense variant is not expected to disrupt TSC2 protein function with a negative predictive value of 95%. In summary, the available evidence is currently insufficient to determine the role of this variant in disease. Therefore, it has been classified as a Variant of Uncertain Significance.